The following is an entry in ClinVar:

ClinVar aggregate classification (germline): Uncertain significance (1 of 4 stars; one submission).

Conditions:
DICER1-related tumor predisposition. Also called: DICER1-related pleuropulmonary blastoma cancer predisposition syndrome; DICER1 syndrome. Identifiers: Orphanet 284343, MedGen C3839822, MONDO:0100216.

Submission:

Labcorp Genetics (formerly Invitae), Labcorp
Classification: Uncertain significance for DICER1-related tumor predisposition. Last evaluated: 2021-08-12. Review status: criteria provided, single submitter. Criteria: Invitae Variant Classification Sherloc (09022015). Collection method: clinical testing. Allele origin: germline.
Comment: This sequence change replaces lysine with arginine at codon 1671 of the DICER1 protein (p.Lys1671Arg). The lysine residue is moderately conserved and there is a small physicochemical difference between lysine and arginine. This variant is not present in population databases (ExAC no frequency). This variant has not been reported in the literature in individuals affected with DICER1-related conditions. Algorithms developed to predict the effect of missense changes on protein structure and function output the following: SIFT: "Tolerated"; PolyPhen-2: "Benign"; Align-GVGD: "Class C0". The arginine amino acid residue is found in multiple mammalian species, which suggests that this missense change does not adversely affect protein function. Algorithms developed to predict the effect of sequence changes on RNA splicing suggest that this variant may create or strengthen a splice site. In summary, the available evidence is currently insufficient to determine the role of this variant in disease. Therefore, it has been classified as a Variant of Uncertain Significance.

NM_177438.3(DICER1):c.5012A>G (p.Lys1671Arg)

Gene: DICER1 (dicer 1, ribonuclease III; minus strand). Cytogenetic location: 14q32.13.
Variant type: single nucleotide variant.
Coding change: c.5012A>G on transcript NM_177438.3 (MANE Select); coding-DNA position 5012, A replaced by G.
Protein change: p.Lys1671Arg; replaces lysine 1671 with arginine.
Molecular consequence: missense variant.
Genome position (GRCh38, 1-based): chr14:95,095,908, T>C on the plus strand (A>G on the coding strand, the complement: DICER1 is on the minus strand). VCF-style: chr14-95095908-T-C. GRCh37 (hg19) VCF-style: chr14-95562245-T-C.
Other names: c.5012A>G, p.Lys1671Arg (NM_001195573.1, NM_001271282.3, NM_001291628.2 and 1 more transcripts); short protein forms K1671R.
Identifiers: ClinVar variation 1374553 (VCV001374553.7), dbSNP rs2139838816, ClinGen allele CA390866101.